The following is an entry in ClinVar:

NM_001321759.2(CDIN1):c.155T>G (p.Ile52Ser)

Gene: CDIN1 (CDAN1 interacting nuclease 1; plus strand). Cytogenetic location: 15q14.
Variant type: single nucleotide variant.
Coding change: c.155T>G on transcript NM_001321759.2 (MANE Select); coding-DNA position 155, T replaced by G.
Protein change: p.Ile52Ser; replaces isoleucine 52 with serine.
Molecular consequence: missense variant. On other transcripts: 5 prime UTR variant (4), intron variant (1).
Genome position (GRCh38, 1-based): chr15:36,645,230, T>G. VCF-style: chr15-36645230-T-G. GRCh37 (hg19) VCF-style: chr15-36937431-T-G.
Other names: c.155T>G, p.Ile52Ser (NM_001130010.3, NM_001290233.2, NM_001321760.2 and 1 more transcripts); c.-140T>G (NM_001290232.2, NM_001321756.2, NM_032499.6); c.-249T>G (NM_001321757.2); c.102-8868T>G (NM_001321758.2); short protein forms I52S.
Identifiers: ClinVar variation 2996575 (VCV002996575.4), dbSNP rs1229501258, ClinGen allele CA391924358.
Genomic context (GRCh38, chr15:36,645,230, plus strand): 5'-CTCATCTGTGACATATCAAAGATTTTTTTGTGTTGTTGTTTTTTTTCTTTCAGAAACACA[T>G]TAAAAGAACACATGCCAAACATCATACTTCGGAAGCAATTGAAAGTTATTACCAGAGGTA-3'
Protein context (NP_001308688.1, residues 42-62): SIFSQEYQKH[Ile52Ser]KRTHAKHHTS

ClinVar aggregate classification (germline): Uncertain significance (1 of 4 stars; one submission).

Allele frequency attached by ClinVar (database versions not stated): gnomAD exomes below 0.00001; gnomAD 0.00001; TOPMed 0.00002.
gnomAD v4.1: 7 of 1,551,834 alleles (0.00045%); highest among the groups gnomAD compares: Non-Finnish European, 0.00061%; no homozygotes.

Submissions (2):

Labcorp Genetics (formerly Invitae), Labcorp
Classification: Uncertain significance. Last evaluated: 2023-02-09. Review status: criteria provided, single submitter. Criteria: Invitae Variant Classification Sherloc (09022015). Collection method: clinical testing. Allele origin: germline.
Comment: Advanced modeling of protein sequence and biophysical properties (such as structural, functional, and spatial information, amino acid conservation, physicochemical variation, residue mobility, and thermodynamic stability) performed at Invitae indicates that this missense variant is not expected to disrupt C15orf41 protein function. In summary, the available evidence is currently insufficient to determine the role of this variant in disease. Therefore, it has been classified as a Variant of Uncertain Significance. This variant has not been reported in the literature in individuals affected with C15orf41-related conditions. This sequence change replaces isoleucine, which is neutral and non-polar, with serine, which is neutral and polar, at codon 52 of the C15orf41 protein (p.Ile52Ser). This variant is present in population databases (no rsID available, gnomAD 0.003%).

Dr. Peter K. Rogan Lab, Western University
No classification provided (evidence only). Condition: Malignant lymphoma, large B-cell, diffuse. Review status: no classification provided. Collection method: in vitro. Allele origin: not applicable. Functional consequence: retained intron. Not counted in ClinVar's aggregate classification.